The following is an entry in ClinVar:

ClinVar aggregate classification (germline): Uncertain significance (1 of 4 stars; one submission).

Allele frequency attached by ClinVar (database versions not stated): TOPMed 0.00001.
gnomAD v4.1: 31 of 1,605,214 alleles (0.0019%); highest among the groups gnomAD compares: Non-Finnish European, 0.0026%; no homozygotes.

Submission:

Labcorp Genetics (formerly Invitae), Labcorp
Classification: Uncertain significance. Last evaluated: 2022-10-13. Review status: criteria provided, single submitter. Criteria: Invitae Variant Classification Sherloc (09022015). Collection method: clinical testing. Allele origin: germline.
Comment: This sequence change replaces tryptophan, which is neutral and slightly polar, with cysteine, which is neutral and slightly polar, at codon 566 of the EPS8L2 protein (p.Trp566Cys). This variant is present in population databases (no rsID available, gnomAD 0.005%). This variant has not been reported in the literature in individuals affected with EPS8L2-related conditions. Algorithms developed to predict the effect of missense changes on protein structure and function are either unavailable or do not agree on the potential impact of this missense change (SIFT: "Deleterious"; PolyPhen-2: "Possibly Damaging"; Align-GVGD: "Class C0"). In summary, the available evidence is currently insufficient to determine the role of this variant in disease. Therefore, it has been classified as a Variant of Uncertain Significance.

NM_022772.4(EPS8L2):c.1698G>T (p.Trp566Cys)

Gene: EPS8L2 (EPS8 signaling adaptor L2; plus strand). Cytogenetic location: 11p15.5.
Variant type: single nucleotide variant.
Coding change: c.1698G>T on transcript NM_022772.4 (MANE Select); coding-DNA position 1698, G replaced by T.
Protein change: p.Trp566Cys; replaces tryptophan 566 with cysteine.
Molecular consequence: missense variant.
Genome position (GRCh38, 1-based): chr11:726,115, G>T. VCF-style: chr11-726115-G-T. GRCh37 (hg19) VCF-style: chr11-726115-G-T.
Other names: short protein forms W566C.
Identifiers: ClinVar variation 1927844 (VCV001927844.5), dbSNP rs762088691, ClinGen allele CA378975124.